The following is an entry in ClinVar:

NM_001127217.3(SMAD9):c.204C>A (p.Cys68Ter)

Gene: SMAD9 (SMAD family member 9; minus strand). Cytogenetic location: 13q13.3.
Variant type: single nucleotide variant.
Coding change: c.204C>A on transcript NM_001127217.3 (MANE Select); coding-DNA position 204, C replaced by A.
Protein change: p.Cys68Ter; replaces cysteine 68 with a stop codon.
Molecular consequence: nonsense.
Genome position (GRCh38, 1-based): chr13:36,879,486, G>T on the plus strand (C>A on the coding strand, the complement: SMAD9 is on the minus strand). VCF-style: chr13-36879486-G-T. GRCh37 (hg19) VCF-style: chr13-37453623-G-T.
Other names: c.204C>A, p.Cys68Ter (NM_001378621.1, NM_005905.6); short protein forms C68*.
Identifiers: ClinVar variation 548690 (VCV000548690.3), dbSNP rs146583835, ClinGen allele CA387852975.

ClinVar aggregate classification (germline): Pathogenic/Likely pathogenic. Review status: criteria provided, multiple submitters, no conflicts (2 of 4 stars). 2 submissions from 2 submitters: Pathogenic (1); Likely pathogenic (1). Last evaluated 2022-06-28.

Conditions:
Pulmonary arterial hypertension associated with congenital heart disease. Identifiers: Orphanet 275803, MedGen C3697119, MONDO:0017152.

Allele frequency attached by ClinVar (database versions not stated): TOPMed 0.00002.

Submissions (2):

GeneDx
Classification: Pathogenic. Last evaluated: 2022-06-28. Review status: criteria provided, single submitter. Criteria: GeneDx Variant Classification Process June 2021. Collection method: clinical testing. Allele origin: germline. Affected: yes.
Comment: Nonsense variant predicted to result in protein truncation or nonsense mediated decay in a gene for which loss of function is a known mechanism of disease; Not observed at significant frequency in large population cohorts (gnomAD); This variant is associated with the following publications: (PMID: 30029678)

Wendy Chung Laboratory, Boston Children's Hospital
Classification: Likely pathogenic for Pulmonary arterial hypertension associated with congenital heart disease. Last evaluated: 2018-06-27. Review status: criteria provided, single submitter. Criteria: ACMG Guidelines, 2015. Collection method: case-control. Allele origin: unknown. Affected: yes. Observed: 1 variant allele.

Literature cited by the submitters: PubMed 30029678 (cited by Wendy Chung Laboratory, Boston Children's Hospital).